The following is an entry in ClinVar:

NM_020919.4(ALS2):c.4642A>G (p.Lys1548Glu)

Gene: ALS2 (alsin Rho guanine nucleotide exchange factor ALS2; minus strand). Cytogenetic location: 2q33.1.
Variant type: single nucleotide variant.
Coding change: c.4642A>G on transcript NM_020919.4 (MANE Select); coding-DNA position 4642, A replaced by G.
Protein change: p.Lys1548Glu; replaces lysine 1548 with glutamic acid.
Molecular consequence: missense variant.
Genome position (GRCh38, 1-based): chr2:201,705,185, T>C on the plus strand (A>G on the coding strand, the complement: ALS2 is on the minus strand). VCF-style: chr2-201705185-T-C. GRCh37 (hg19) VCF-style: chr2-202569908-T-C.
Other names: short protein forms K1548E.
Identifiers: ClinVar variation 1311321 (VCV001311321.2), dbSNP rs1244653206, ClinGen allele CA350321742.

ClinVar aggregate classification (germline): Uncertain significance (1 of 4 stars; one submission).

Allele frequency attached by ClinVar (database versions not stated): gnomAD exomes below 0.00001; TOPMed below 0.00001; gnomAD 0.00001.

Submission:

GeneDx
Classification: Uncertain significance. Last evaluated: 2019-12-27. Review status: criteria provided, single submitter. Criteria: GeneDx Variant Classification Process June 2021. Collection method: clinical testing. Allele origin: germline. Affected: yes.
Comment: Not observed in large population cohorts (Lek et al., 2016); In silico analysis, which includes protein predictors and evolutionary conservation, supports that this variant does not alter protein structure/function; Has not been previously published as pathogenic or benign to our knowledge